The following is an entry in ClinVar:

NM_000264.5(PTCH1):c.2029A>G (p.Thr677Ala)

Genes: PTCH1 (patched 1; minus strand), LOC100507346 (uncharacterized LOC100507346; plus strand). Cytogenetic location: 9q22.32.
Variant type: single nucleotide variant.
Coding change: c.2029A>G on transcript NM_000264.5 (MANE Select); coding-DNA position 2029, A replaced by G.
Protein change: p.Thr677Ala; replaces threonine 677 with alanine.
Molecular consequence: missense variant. On other transcripts: non-coding transcript variant (2).
Genome position (GRCh38, 1-based): chr9:95,468,972, T>C on the plus strand (A>G on the coding strand, the complement: PTCH1 is on the minus strand). VCF-style: chr9-95468972-T-C. GRCh37 (hg19) VCF-style: chr9-98231254-T-C.
Other names: c.1831A>G, p.Thr611Ala (NM_001083602.3); c.2026A>G, p.Thr676Ala (NM_001083603.3); c.1576A>G, p.Thr526Ala (NM_001083604.3, NM_001083605.3, NM_001083606.3 and 1 more transcripts); c.1873A>G, p.Thr625Ala (NM_001354918.2); short protein forms T526A, T611A, T677A, T625A, T676A.
Identifiers: ClinVar variation 4146878 (VCV004146878.1).

ClinVar aggregate classification (germline): Uncertain significance (1 of 4 stars; one submission).

Conditions:
Hereditary cancer-predisposing syndrome. Also called: Hereditary neoplastic syndrome; Neoplastic Syndromes, Hereditary; Tumor predisposition; Hereditary Cancer Syndrome. Identifiers: Orphanet 140162, MedGen C0027672, MeSH D009386, MONDO:0015356.

Submission:

Ambry Genetics
Classification: Uncertain significance for Hereditary cancer-predisposing syndrome. Last evaluated: 2025-08-07. Review status: criteria provided, single submitter. Criteria: Ambry Variant Classification Scheme 2023. Collection method: clinical testing. Allele origin: germline.
Comment: The p.T677A variant (also known as c.2029A>G), located in coding exon 14 of the PTCH1 gene, results from an A to G substitution at nucleotide position 2029. The threonine at codon 677 is replaced by alanine, an amino acid with similar properties. This amino acid position is conserved. In addition, the in silico prediction for this alteration is inconclusive. Based on the available evidence, the clinical significance of this variant remains unclear.